The following is an entry in ClinVar:

NM_004771.4(MMP20):c.686G>A (p.Gly229Asp)

Gene: MMP20 (matrix metallopeptidase 20; minus strand). Cytogenetic location: 11q22.2.
Variant type: single nucleotide variant.
Coding change: c.686G>A on transcript NM_004771.4 (MANE Select); coding-DNA position 686, G replaced by A.
Protein change: p.Gly229Asp; replaces glycine 229 with aspartic acid.
Molecular consequence: missense variant.
Genome position (GRCh38, 1-based): chr11:102,609,062, C>T on the plus strand (G>A on the coding strand, the complement: MMP20 is on the minus strand). VCF-style: chr11-102609062-C-T. GRCh37 (hg19) VCF-style: chr11-102479793-C-T.
Other names: short protein forms G229D.
Identifiers: ClinVar variation 3912113 (VCV003912113.3).

ClinVar aggregate classification (germline): Uncertain significance. Review status: criteria provided, multiple submitters, no conflicts (2 of 4 stars). 2 submissions from 2 submitters: Uncertain significance (2). Last evaluated 2025-05-19.

Conditions:
Inborn genetic diseases. Identifiers: MedGen C0950123, MeSH D030342.
Amelogenesis imperfecta hypomaturation type 2A2. Also called: AMELOGENESIS IMPERFECTA, PIGMENTED HYPOMATURATION TYPE, 2; Amelogenesis imperfecta, type IIA2; Amelogenesis imperfecta, hypomaturation type, IIA2. Identifiers: Orphanet 88661, MedGen C2675858, MONDO:0012926, OMIM 612529. Disease mechanism: loss of function.

gnomAD v4.1: 7 of 1,614,074 alleles (0.00043%); highest among the groups gnomAD compares: East Asian, 0.016%; no homozygotes.

Submissions (2):

Ambry Genetics
Classification: Uncertain significance for Inborn genetic diseases. Last evaluated: 2025-05-19. Review status: criteria provided, single submitter. Criteria: Ambry Variant Classification Scheme 2023. Collection method: clinical testing. Allele origin: germline.

Juno Genomics, Hangzhou Juno Genomics, Inc
Classification: Uncertain significance for Amelogenesis imperfecta hypomaturation type 2A2. Review status: criteria provided, single submitter. Criteria: ACMG Guidelines, 2015. Collection method: clinical testing. Allele origin: germline.
Comment: Absent from controls (or at extremely low frequency if recessive) in Genome Aggregation Database.;Multiple lines of computational evidence support a deleterious effect on the gene or gene product.